The following is an entry in ClinVar:

NM_015512.5(DNAH1):c.9601G>C (p.Val3201Leu)

Gene: DNAH1 (dynein axonemal heavy chain 1; plus strand). Cytogenetic location: 3p21.1.
Variant type: single nucleotide variant.
Coding change: c.9601G>C on transcript NM_015512.5 (MANE Select); coding-DNA position 9601, G replaced by C.
Protein change: p.Val3201Leu; replaces valine 3201 with leucine.
Molecular consequence: missense variant.
Genome position (GRCh38, 1-based): chr3:52,389,566, G>C. VCF-style: chr3-52389566-G-C. GRCh37 (hg19) VCF-style: chr3-52423582-G-C.
Other names: short protein forms V3201L.
Identifiers: ClinVar variation 544623 (VCV000544623.6), dbSNP rs776981791, ClinGen allele CA2435575.

ClinVar aggregate classification (germline): Uncertain significance (1 of 4 stars; one submission).

Conditions:
Spermatogenic failure 18. Identifiers: MedGen C4539783, MONDO:0054615, OMIM 617576.
Ciliary dyskinesia, primary, 37 (CILD37). Also called: CILIARY DYSKINESIA, PRIMARY, 37, WITH OR WITHOUT SITUS INVERSUS. Identifiers: MedGen C4539798, MONDO:0033204, OMIM 617577.

Allele frequency attached by ClinVar (database versions not stated): gnomAD exomes below 0.00001 and 0.00001; TOPMed 0.00002; ExAC 0.00003; gnomAD 0.00004 and 0.00005.
gnomAD v4.1: 7 of 1,521,034 alleles (0.00046%); highest among the groups gnomAD compares: African/African-American, 0.0099%; no homozygotes.

Submission:

Labcorp Genetics (formerly Invitae), Labcorp
Classification: Uncertain significance for Ciliary dyskinesia, primary, 37; Spermatogenic failure 18. Last evaluated: 2017-08-29. Review status: criteria provided, single submitter. Criteria: Invitae Variant Classification Sherloc (09022015). Collection method: clinical testing. Allele origin: germline.
Comment: This sequence change replaces valine with leucine at codon 3201 of the DNAH1 protein (p.Val3201Leu). The valine residue is highly conserved and there is a small physicochemical difference between valine and leucine. This variant is present in population databases (rs776981791, ExAC 0.03%). This variant has not been reported in the literature in individuals with DNAH1-related disease. Algorithms developed to predict the effect of missense changes on protein structure and function do not agree on the potential impact of this missense change (SIFT: "Deleterious"; PolyPhen-2: "Possibly Damaging"; Align-GVGD: "Class C0"). In summary, the available evidence is currently insufficient to determine the role of this variant in disease. Therefore, it has been classified as a Variant of Uncertain Significance.